The following is an entry in ClinVar:

NM_014846.4(WASHC5):c.1543G>C (p.Glu515Gln)

Gene: WASHC5 (WASH complex subunit 5; minus strand). Cytogenetic location: 8q24.13.
Variant type: single nucleotide variant.
Coding change: c.1543G>C on transcript NM_014846.4 (MANE Select); coding-DNA position 1543, G replaced by C.
Protein change: p.Glu515Gln; replaces glutamic acid 515 with glutamine.
Molecular consequence: missense variant.
Genome position (GRCh38, 1-based): chr8:125,059,521, C>G on the plus strand (G>C on the coding strand, the complement: WASHC5 is on the minus strand). VCF-style: chr8-125059521-C-G. GRCh37 (hg19) VCF-style: chr8-126071763-C-G.
Other names: c.1099G>C, p.Glu367Gln (NM_001330609.2); short protein forms E515Q, E367Q.
Identifiers: ClinVar variation 2070722 (VCV002070722.4), dbSNP rs1394493824, ClinGen allele CA372192339.

ClinVar aggregate classification (germline): Uncertain significance (1 of 4 stars; one submission).

Conditions:
Hereditary spastic paraplegia 8 (SPG8). Also called: SPASTIC PARAPLEGIA 8, AUTOSOMAL DOMINANT. Identifiers: Orphanet 100989, MedGen C1863704, MONDO:0011339, OMIM 603563.
Ritscher-Schinzel syndrome. Also called: CRANIOCEREBELLOCARDIAC DYSPLASIA. Identifiers: Orphanet 7, MedGen C0796137, MONDO:0019078.

Allele frequency attached by ClinVar (database versions not stated): gnomAD exomes 0.00001.
gnomAD v4.1: 9 of 1,613,650 alleles (0.00056%); highest among the groups gnomAD compares: Non-Finnish European, 0.00068%; no homozygotes.

Submission:

Labcorp Genetics (formerly Invitae), Labcorp
Classification: Uncertain significance for Ritscher-Schinzel syndrome; Hereditary spastic paraplegia 8. Last evaluated: 2022-08-20. Review status: criteria provided, single submitter. Criteria: Invitae Variant Classification Sherloc (09022015). Collection method: clinical testing. Allele origin: germline.
Comment: In summary, the available evidence is currently insufficient to determine the role of this variant in disease. Therefore, it has been classified as a Variant of Uncertain Significance. Algorithms developed to predict the effect of missense changes on protein structure and function are either unavailable or do not agree on the potential impact of this missense change (SIFT: "Tolerated"; PolyPhen-2: "Possibly Damaging"; Align-GVGD: "Class C0"). This variant has not been reported in the literature in individuals affected with WASHC5-related conditions. This variant is present in population databases (no rsID available, gnomAD 0.0009%). This sequence change replaces glutamic acid, which is acidic and polar, with glutamine, which is neutral and polar, at codon 515 of the WASHC5 protein (p.Glu515Gln).